The following is an entry in ClinVar:

ClinVar aggregate classification (germline): Uncertain significance (1 of 4 stars; one submission).

Conditions:
Familial thoracic aortic aneurysm and aortic dissection (TAAD). Also called: Thoracic aortic aneurysms and dissections. Identifiers: Orphanet 91387, MedGen C4707243, MONDO:0019625.

Submission:

Ambry Genetics
Classification: Uncertain significance for Familial thoracic aortic aneurysm and aortic dissection. Last evaluated: 2021-11-19. Review status: criteria provided, single submitter. Criteria: Ambry Variant Classification Scheme 2023. Collection method: clinical testing. Allele origin: germline.
Comment: The p.C1140S variant (also known as c.3419G>C), located in coding exon 24 of the MED12 gene, results from a G to C substitution at nucleotide position 3419. The cysteine at codon 1140 is replaced by serine, an amino acid with dissimilar properties. This amino acid position is conserved. In addition, this alteration is predicted to be deleterious by in silico analysis. Since supporting evidence is limited at this time, the clinical significance of this alteration remains unclear.

NM_005120.3(MED12):c.3419G>C (p.Cys1140Ser)

Gene: MED12 (mediator complex subunit 12; plus strand). Cytogenetic location: Xq13.1.
Variant type: single nucleotide variant.
Coding change: c.3419G>C on transcript NM_005120.3 (MANE Select); coding-DNA position 3419, G replaced by C.
Protein change: p.Cys1140Ser; replaces cysteine 1140 with serine.
Molecular consequence: missense variant.
Genome position (GRCh38, 1-based): chrX:71,128,662, G>C. VCF-style: chrX-71128662-G-C. GRCh37 (hg19) VCF-style: chrX-70348512-G-C.
Other names: short protein forms C1140S.
Identifiers: ClinVar variation 1731237 (VCV001731237.2), dbSNP rs2519690074, ClinGen allele CA413519233.
Genomic context (GRCh38, chrX:71,128,662, plus strand): 5'-GTGACCTATCTTTTCATGACTCGCTGGCTACTTTTGTTGCCATCCTCATCGCTCGGCAGT[G>C]TTTGCTCCTGGAAGATCTGATTCGCTGTGCTGCCATCCCTTCACTCCTTAATGCTGGTGA-3'
Protein context (NP_005111.2, residues 1130-1150): TFVAILIARQ[Cys1140Ser]LLLEDLIRCA